The following is an entry in ClinVar:

ClinVar aggregate classification (germline): Uncertain significance (1 of 4 stars; one submission).

Conditions:
Hereditary cancer-predisposing syndrome. Also called: Hereditary neoplastic syndrome; Neoplastic Syndromes, Hereditary; Tumor predisposition; Hereditary Cancer Syndrome. Identifiers: Orphanet 140162, MedGen C0027672, MeSH D009386, MONDO:0015356.

Submission:

Ambry Genetics
Classification: Uncertain significance for Hereditary cancer-predisposing syndrome. Last evaluated: 2025-07-19. Review status: criteria provided, single submitter. Criteria: Ambry Variant Classification Scheme 2023. Collection method: clinical testing. Allele origin: germline.
Comment: The p.T79A variant (also known as c.235A>G), located in coding exon 3 of the RAD51D gene, results from an A to G substitution at nucleotide position 235. The threonine at codon 79 is replaced by alanine, an amino acid with similar properties. This amino acid position is conserved. In addition, the in silico prediction for this alteration is inconclusive. Based on the available evidence, the clinical significance of this variant remains unclear.

NM_002878.4(RAD51D):c.235A>G (p.Thr79Ala)

Genes: RAD51D (RAD51 paralog D; minus strand), RAD51L3-RFFL (RAD51L3-RFFL readthrough; minus strand). Cytogenetic location: 17q12.
Variant type: single nucleotide variant.
Coding change: c.235A>G on transcript NM_002878.4 (MANE Select); coding-DNA position 235, A replaced by G.
Protein change: p.Thr79Ala; replaces threonine 79 with alanine.
Molecular consequence: missense variant. On other transcripts: intron variant (2).
Genome position (GRCh38, 1-based): chr17:35,118,529, T>C on the plus strand (A>G on the coding strand, the complement: RAD51D is on the minus strand). VCF-style: chr17-35118529-T-C. GRCh37 (hg19) VCF-style: chr17-33445548-T-C.
Other names: c.144+582A>G (NM_133629.3, NM_001142571.2); short protein forms T79A.
Identifiers: ClinVar variation 4149909 (VCV004149909.1).